The following is an entry in ClinVar:

ClinVar aggregate classification (germline): Uncertain significance (1 of 4 stars; one submission).

Submission:

Labcorp Genetics (formerly Invitae), Labcorp
Classification: Uncertain significance. Last evaluated: 2022-08-09. Review status: criteria provided, single submitter. Criteria: Invitae Variant Classification Sherloc (09022015). Collection method: clinical testing. Allele origin: germline.
Comment: In summary, the available evidence is currently insufficient to determine the role of this variant in disease. Therefore, it has been classified as a Variant of Uncertain Significance. ClinVar contains an entry for this variant (Variation ID: 1411590). This variant has not been reported in the literature in individuals affected with NEUROD1-related conditions. This variant is not present in population databases (gnomAD no frequency). This sequence change creates a premature translational stop signal (p.Glu68*) in the NEUROD1 gene. While this is not anticipated to result in nonsense mediated decay, it is expected to disrupt the last 289 amino acid(s) of the NEUROD1 protein.

NM_002500.5(NEUROD1):c.202G>T (p.Glu68Ter)

Gene: NEUROD1 (neuronal differentiation 1; minus strand). Cytogenetic location: 2q31.3.
Variant type: single nucleotide variant.
Coding change: c.202G>T on transcript NM_002500.5 (MANE Select); coding-DNA position 202, G replaced by T.
Protein change: p.Glu68Ter; replaces glutamic acid 68 with a stop codon.
Molecular consequence: nonsense.
Genome position (GRCh38, 1-based): chr2:181,678,659, C>A on the plus strand (G>T on the coding strand, the complement: NEUROD1 is on the minus strand). VCF-style: chr2-181678659-C-A. GRCh37 (hg19) VCF-style: chr2-182543386-C-A.
Other names: short protein forms E68*.
Identifiers: ClinVar variation 1411590 (VCV001411590.6), dbSNP rs1688638322, ClinGen allele CA349786959.